The following is an entry in ClinVar:

ClinVar aggregate classification (germline): Uncertain significance (1 of 4 stars; one submission).

Conditions:
Aicardi-Goutieres syndrome 5. Identifiers: Orphanet 51, MedGen C2749659, MONDO:0013059, OMIM 612952.

Submission:

Labcorp Genetics (formerly Invitae), Labcorp
Classification: Uncertain significance for Aicardi-Goutieres syndrome 5. Last evaluated: 2023-08-04. Review status: criteria provided, single submitter. Criteria: Invitae Variant Classification Sherloc (09022015). Collection method: clinical testing. Allele origin: germline.
Comment: ClinVar contains an entry for this variant (Variation ID: 1956795). Experimental studies and prediction algorithms are not available or were not evaluated, and the functional significance of this variant is currently unknown. In summary, the available evidence is currently insufficient to determine the role of this variant in disease. Therefore, it has been classified as a Variant of Uncertain Significance. This variant has not been reported in the literature in individuals affected with SAMHD1-related conditions. This variant is not present in population databases (gnomAD no frequency). This sequence change creates a premature translational stop signal (p.Gln571*) in the SAMHD1 gene. While this is not anticipated to result in nonsense mediated decay, it is expected to disrupt the last 56 amino acid(s) of the SAMHD1 protein.

NM_015474.4(SAMHD1):c.1711C>T (p.Gln571Ter)

Gene: SAMHD1 (SAM and HD domain containing deoxynucleoside triphosphate triphosphohydrolase 1; minus strand). Cytogenetic location: 20q11.23.
Variant type: single nucleotide variant.
Coding change: c.1711C>T on transcript NM_015474.4 (MANE Select); coding-DNA position 1711, C replaced by T.
Protein change: p.Gln571Ter; replaces glutamine 571 with a stop codon.
Molecular consequence: nonsense.
Genome position (GRCh38, 1-based): chr20:36,897,857, G>A on the plus strand (C>T on the coding strand, the complement: SAMHD1 is on the minus strand). VCF-style: chr20-36897857-G-A. GRCh37 (hg19) VCF-style: chr20-35526260-G-A.
Other names: c.1606C>T, p.Gln536Ter (NM_001363729.2); c.1711C>T, p.Gln571Ter (NM_001363733.2); short protein forms Q536*, Q571*.
Identifiers: ClinVar variation 1956795 (VCV001956795.5), dbSNP rs1990225699, ClinGen allele CA408839388.